The following is an entry in ClinVar:

ClinVar aggregate classification (germline): Uncertain significance (1 of 4 stars; one submission).

Submission:

Women's Health and Genetics/Laboratory Corporation of America, LabCorp
Classification: Uncertain significance. Last evaluated: 2022-08-11. Review status: criteria provided, single submitter. Criteria: LabCorp Variant Classification Summary - May 2015. Collection method: clinical testing. Allele origin: germline.
Comment: Variant summary: BRCA1 c.4481A>C (p.Glu1494Ala) results in a non-conservative amino acid change in the encoded protein sequence. Two of four in-silico tools predict a benign effect of the variant on protein function. The variant was absent in 251220 control chromosomes (gnomAD). The available data on variant occurrences in the general population are insufficient to allow any conclusion about variant significance. To our knowledge, no occurrence of c.4481A>C in individuals affected with Hereditary Breast And Ovarian Cancer Syndrome and no experimental evidence demonstrating its impact on protein function have been reported. No clinical diagnostic laboratories have submitted clinical-significance assessments for this variant to ClinVar after 2014. Based on the evidence outlined above, the variant was classified as uncertain significance.

NM_007294.4(BRCA1):c.4481A>C (p.Glu1494Ala)

Gene: BRCA1 (BRCA1 DNA repair associated; minus strand). Cytogenetic location: 17q21.31.
Variant type: single nucleotide variant.
Coding change: c.4481A>C on transcript NM_007294.4 (MANE Select); coding-DNA position 4481, A replaced by C.
Protein change: p.Glu1494Ala; replaces glutamic acid 1494 with alanine.
Molecular consequence: missense variant. On other transcripts: non-coding transcript variant (1).
Genome position (GRCh38, 1-based): chr17:43,076,491, T>G on the plus strand (A>C on the coding strand, the complement: BRCA1 is on the minus strand). VCF-style: chr17-43076491-T-G. GRCh37 (hg19) VCF-style: chr17-41228508-T-G.
Other names: c.4268A>C, p.Glu1423Ala (NM_001407571.1, NM_001407894.1, NM_001407895.1 and 12 more transcripts); c.4547A>C, p.Glu1516Ala (NM_001407581.1, NM_001407582.1); c.4544A>C, p.Glu1515Ala (NM_001407583.1, NM_001407585.1, NM_001407587.1 and 1 more transcripts); c.4541A>C, p.Glu1514Ala (NM_001407590.1, NM_001407591.1); c.4481A>C, p.Glu1494Ala (NM_001407593.1, NM_001407594.1, NM_001407596.1 and 8 more transcripts); c.4478A>C, p.Glu1493Ala (NM_001407610.1, NM_001407611.1, NM_001407612.1 and 17 more transcripts); c.4475A>C, p.Glu1492Ala (NM_001407627.1, NM_001407628.1, NM_001407629.1 and 14 more transcripts); c.4472A>C, p.Glu1491Ala (NM_001407644.1, NM_001407645.1); and 68 more; short protein forms E1197A, E1198A, E1325A, E1365A, E1366A, E1367A, E1381A, E1382A.
Identifiers: ClinVar variation 1705078 (VCV001705078.1), dbSNP rs758779691, ClinGen allele CA10592572.